The following is an entry in ClinVar:

NM_001267550.2(TTN):c.57382A>G (p.Met19128Val)

Genes: TTN-AS1 (TTN antisense RNA 1; plus strand), TTN (titin; minus strand). Cytogenetic location: 2q31.2.
Variant type: single nucleotide variant.
Coding change: c.57382A>G on transcript NM_001267550.2 (MANE Select); coding-DNA position 57382, A replaced by G.
Protein change: p.Met19128Val; replaces methionine 19128 with valine.
Molecular consequence: missense variant.
Genome position (GRCh38, 1-based): chr2:178,597,700, T>C on the plus strand (A>G on the coding strand, the complement: TTN is on the minus strand). VCF-style: chr2-178597700-T-C. GRCh37 (hg19) VCF-style: chr2-179462427-T-C.
Other names: c.52459A>G, p.Met17487Val (NM_001256850.1); c.30187A>G, p.Met10063Val (NM_003319.4); c.49678A>G, p.Met16560Val (NM_133378.4); c.30562A>G, p.Met10188Val (NM_133432.3); c.30763A>G, p.Met10255Val (NM_133437.4); short protein forms M19128V, M10188V, M10255V, M10063V, M16560V, M17487V.
Identifiers: ClinVar variation 467300 (VCV000467300.11), dbSNP rs138367112, ClinGen allele CA1993056.
Genomic context (GRCh38, chr2:178,597,700, plus strand): 5'-TGGATGAGCTAATGGCTGTGGTCTCAATGGTGGCTTCTTGAGGTAAGGTTCTTTCATTCA[T>C]GTTCCAGGTGACGGTTGGAGGAGGCTTTCCAGACACATAGGCAATGATTCGGATCACCCC-3'
Protein context (NP_001254479.2, residues 19118-19138): GKPPPTVTWN[Met19128Val]NERTLPQEAT

ClinVar aggregate classification (germline): Conflicting classifications of pathogenicity. Review status: criteria provided, conflicting classifications (1 of 4 stars). 6 submissions from 6 submitters: Uncertain significance (4); Likely benign (2). Last evaluated 2026-06-22.

Conditions:
Cardiovascular phenotype. Identifiers: MedGen CN230736.
TTN-related disorder. Also called: TTN-related condition; TTN-related disease; TTN-related disorders.
Autosomal recessive limb-girdle muscular dystrophy type 2J (LGMDR10). Also called: Limb-girdle muscular dystrophy, type 2J; MUSCULAR DYSTROPHY, LIMB-GIRDLE, AUTOSOMAL RECESSIVE 10. Identifiers: Orphanet 140922, MedGen C1837342, MONDO:0012127, OMIM 608807.
Dilated cardiomyopathy 1G (CMD1G). Identifiers: Orphanet 154, MedGen C1858763, MONDO:0011400, OMIM 604145.

Allele frequency attached by ClinVar (database versions not stated): gnomAD exomes 0.00003; gnomAD 0.00006; ExAC 0.00007; TOPMed 0.00015; ESP Exome Variant Server 0.00016; 1000 Genomes Project 30x 0.00031; 1000 Genomes Project 0.00040.

Submissions (6):

PreventionGenetics, part of Exact Sciences
Classification: Uncertain significance for TTN-related condition. Last evaluated: 2026-06-22. Review status: criteria provided, single submitter. Criteria: ACMG Guidelines, 2015. Collection method: clinical testing. Allele origin: germline.
Comment: The TTN c.57382A>G variant is predicted to result in the amino acid substitution p.Met19128Val. To our knowledge, this variant has not been reported in the literature. This variant is reported in 0.033% of alleles in individuals of African descent in gnomAD. At this time, the clinical significance of this variant is uncertain due to the absence of conclusive functional and genetic evidence.

Molecular Diagnostic Laboratory for Inherited Cardiovascular Disease, Montreal Heart Institute
Classification: Likely benign. Last evaluated: 2025-04-09. Review status: criteria provided, single submitter. Criteria: ACMG Guidelines, 2015. Collection method: clinical testing. Allele origin: germline. Affected: no.

Women's Health and Genetics/Laboratory Corporation of America, LabCorp
Classification: Uncertain significance. Last evaluated: 2023-08-19. Review status: criteria provided, single submitter. Criteria: LabCorp Variant Classification Summary - May 2015. Collection method: clinical testing. Allele origin: germline.

GeneDx
Classification: Likely benign. Last evaluated: 2020-08-05. Review status: criteria provided, single submitter. Criteria: GeneDx Variant Classification Process June 2021. Collection method: clinical testing. Allele origin: germline. Affected: yes.

Ambry Genetics
Classification: Uncertain significance for Cardiovascular phenotype. Last evaluated: 2019-07-31. Review status: criteria provided, single submitter. Criteria: Ambry Variant Classification Scheme 2023. Collection method: clinical testing. Allele origin: germline.
Comment: The p.M10063V variant (also known as c.30187A>G), located in coding exon 121 of the TTN gene, results from an A to G substitution at nucleotide position 30187. The methionine at codon 10063 is replaced by valine, an amino acid with highly similar properties. This amino acid position is not well conserved in available vertebrate species. In addition, this alteration is predicted to be tolerated by in silico analysis. Since supporting evidence is limited at this time, the clinical significance of this alteration remains unclear.

Labcorp Genetics (formerly Invitae), Labcorp
Classification: Uncertain significance for Dilated cardiomyopathy 1G; Autosomal recessive limb-girdle muscular dystrophy type 2J. Last evaluated: 2017-05-18. Review status: criteria provided, single submitter. Criteria: Invitae Variant Classification Sherloc (09022015). Collection method: clinical testing. Allele origin: germline.